The following is an entry in ClinVar:

ClinVar aggregate classification (germline): Uncertain significance. Review status: criteria provided, multiple submitters, no conflicts (2 of 4 stars). 3 submissions from 3 submitters: Uncertain significance (3). Last evaluated 2026-04-16.

Conditions:
Inborn genetic diseases. Identifiers: MedGen C0950123, MeSH D030342.
MHC class II deficiency. Also called: Bare lymphocyte syndrome 2; BLS, TYPE II. Identifiers: Orphanet 572, MedGen C5447452, MONDO:0008855.

Submissions (3):

GeneDx
Classification: Uncertain significance. Last evaluated: 2026-04-16. Review status: criteria provided, single submitter. Criteria: GeneDx Variant Classification Process June 2021. Collection method: clinical testing. Allele origin: germline.
Comment: Not observed at significant frequency in large population cohorts (gnomAD); In silico analysis supports that this missense variant has a deleterious effect on protein structure/function; Has not been previously published as pathogenic or benign to our knowledge

Ambry Genetics
Classification: Uncertain significance for Inborn genetic diseases. Last evaluated: 2026-03-10. Review status: criteria provided, single submitter. Criteria: Ambry Variant Classification Scheme 2023. Collection method: clinical testing. Allele origin: germline.

Labcorp Genetics (formerly Invitae), Labcorp
Classification: Uncertain significance for MHC class II deficiency. Last evaluated: 2022-05-12. Review status: criteria provided, single submitter. Criteria: Invitae Variant Classification Sherloc (09022015). Collection method: clinical testing. Allele origin: germline.
Comment: This variant is not present in population databases (gnomAD no frequency). In summary, the available evidence is currently insufficient to determine the role of this variant in disease. Therefore, it has been classified as a Variant of Uncertain Significance. Algorithms developed to predict the effect of missense changes on protein structure and function are either unavailable or do not agree on the potential impact of this missense change (SIFT: "Tolerated"; PolyPhen-2: "Possibly Damaging"; Align-GVGD: "Class C0"). This variant has not been reported in the literature in individuals affected with CIITA-related conditions. This sequence change replaces valine, which is neutral and non-polar, with alanine, which is neutral and non-polar, at codon 483 of the CIITA protein (p.Val483Ala).

NM_000246.4(CIITA):c.1448T>C (p.Val483Ala)

Gene: CIITA (class II major histocompatibility complex transactivator; plus strand). Cytogenetic location: 16p13.13.
Variant type: single nucleotide variant.
Coding change: c.1448T>C on transcript NM_000246.4 (MANE Select); coding-DNA position 1448, T replaced by C.
Protein change: p.Val483Ala; replaces valine 483 with alanine.
Molecular consequence: missense variant. On other transcripts: intron variant (1).
Genome position (GRCh38, 1-based): chr16:10,906,940, T>C. VCF-style: chr16-10906940-T-C. GRCh37 (hg19) VCF-style: chr16-11000797-T-C.
Other names: c.1451T>C, p.Val484Ala (NM_001286402.1, NM_001379332.1); c.1304T>C, p.Val435Ala (NM_001379330.1); c.1301T>C, p.Val434Ala (NM_001379331.1); c.1448T>C, p.Val483Ala (NM_001379333.1); c.1379T>C, p.Val460Ala (NM_001379334.1); c.860-2043T>C (NM_001286403.2); short protein forms V434A, V483A, V484A, V435A, V460A.
Identifiers: ClinVar variation 2042253 (VCV002042253.6), dbSNP rs2544476339, ClinGen allele CA394730779.